The following is an entry in ClinVar:

ClinVar aggregate classification (germline): Uncertain significance. Review status: criteria provided, multiple submitters, no conflicts (2 of 4 stars). 3 submissions from 3 submitters: Uncertain significance (2). 1 of the submissions does not count toward it. Last evaluated 2025-01-08.

Conditions:
TH-deficient dopa-responsive dystonia. Also called: DYT-TH; Tyrosine Hydroxylase-Deficient Dopa-Responsive Dystonia; Segawa syndrome, autosomal recessive. Identifiers: Orphanet 101150, MedGen C2673535, MONDO:0011551, OMIM 605407.

Submissions (3):

Women's Health and Genetics/Laboratory Corporation of America, LabCorp
Classification: Uncertain significance. Last evaluated: 2025-01-08. Review status: criteria provided, single submitter. Criteria: LabCorp Variant Classification Summary - May 2015. Collection method: clinical testing. Allele origin: germline.
Comment: Variant summary: TH c.1222G>A (p.Gly408Arg) results in a non-conservative amino acid change located in the Biopterin-dependent aromatic amino acid hydroxylase family profile domain (IPR019774) of the encoded protein sequence. Five of five in-silico tools predict a damaging effect of the variant on protein function. The variant was absent in 249250 control chromosomes. The available data on variant occurrences in the general population are insufficient to allow any conclusion about variant significance. c.1222G>A has been reported in the presumed compound heterozygous state in the literature in at least 1 individual affected with tyrosine hydroxylase deficiency (example, Mak_2010, Yeung_2011). These data do not allow any conclusion about variant significance. To our knowledge, no experimental evidence demonstrating an impact on protein function has been reported. The following publications have been ascertained in the context of this evaluation (PMID: 20056467, 20823027). ClinVar contains an entry for this variant (Variation ID: 558539). Based on the evidence outlined above, the variant was classified as uncertain significance.

Labcorp Genetics (formerly Invitae), Labcorp
Classification: Uncertain significance for TH-deficient dopa-responsive dystonia. Last evaluated: 2022-02-04. Review status: criteria provided, single submitter. Criteria: Invitae Variant Classification Sherloc (09022015). Collection method: clinical testing. Allele origin: germline.
Comment: This sequence change replaces glycine, which is neutral and non-polar, with arginine, which is basic and polar, at codon 408 of the TH protein (p.Gly408Arg). This variant is not present in population databases (gnomAD no frequency). This missense change has been observed in individual(s) with TH-related conditions (PMID: 20056467, 20823027). ClinVar contains an entry for this variant (Variation ID: 558539). Advanced modeling of protein sequence and biophysical properties (such as structural, functional, and spatial information, amino acid conservation, physicochemical variation, residue mobility, and thermodynamic stability) performed at Invitae indicates that this missense variant is expected to disrupt TH protein function. In summary, the available evidence is currently insufficient to determine the role of this variant in disease. Therefore, it has been classified as a Variant of Uncertain Significance.

Counsyl
Classification: Uncertain significance for TH-deficient dopa-responsive dystonia. Last evaluated: 2018-05-30. Review status: no assertion criteria provided. Collection method: clinical testing. Allele origin: unknown. Not counted in ClinVar's aggregate classification.

Literature cited by the submitters: PubMed 20056467 (cited by Women's Health and Genetics/Laboratory Corporation of America, LabCorp and Labcorp Genetics (formerly Invitae), Labcorp); PubMed 20823027 (cited by 3 submitters).

NM_000360.4(TH):c.1129G>A (p.Gly377Arg)

Gene: TH (tyrosine hydroxylase; minus strand). Cytogenetic location: 11p15.5.
Variant type: single nucleotide variant.
Coding change: c.1129G>A on transcript NM_000360.4 (MANE Select); coding-DNA position 1129, G replaced by A.
Protein change: p.Gly377Arg; replaces glycine 377 with arginine.
Molecular consequence: missense variant.
Genome position (GRCh38, 1-based): chr11:2,165,739, C>T on the plus strand (G>A on the coding strand, the complement: TH is on the minus strand). VCF-style: chr11-2165739-C-T. GRCh37 (hg19) VCF-style: chr11-2186969-C-T.
Other names: c.1222G>A, p.Gly408Arg (NM_199292.3); c.1210G>A, p.Gly404Arg (NM_199293.3); short protein forms G408R, G377R, G404R.
Identifiers: ClinVar variation 558539 (VCV000558539.6), dbSNP rs745551241, ClinGen allele CA379125722.